The following is an entry in ClinVar:

NM_000368.5(TSC1):c.1729G>A (p.Glu577Lys)

Gene: TSC1 (TSC complex subunit 1; minus strand). Cytogenetic location: 9q34.13.
Variant type: single nucleotide variant.
Coding change: c.1729G>A on transcript NM_000368.5 (MANE Select); coding-DNA position 1729, G replaced by A.
Protein change: p.Glu577Lys; replaces glutamic acid 577 with lysine.
Molecular consequence: missense variant.
Genome position (GRCh38, 1-based): chr9:132,905,849, C>T on the plus strand (G>A on the coding strand, the complement: TSC1 is on the minus strand). VCF-style: chr9-132905849-C-T. GRCh37 (hg19) VCF-style: chr9-135781236-C-T.
Other names: c.1726G>A, p.Glu576Lys (NM_001162426.2); c.1576G>A, p.Glu526Lys (NM_001162427.2); c.1366G>A, p.Glu456Lys (NM_001362177.2); short protein forms E577K, E456K, E526K, E576K.
Identifiers: ClinVar variation 863958 (VCV000863958.14), dbSNP rs118203570, ClinGen allele CA375363940.

ClinVar aggregate classification (germline): Uncertain significance. Review status: criteria provided, multiple submitters, no conflicts (2 of 4 stars). 3 submissions from 3 submitters: Uncertain significance (3). Last evaluated 2025-04-28.

Conditions:
Hereditary cancer-predisposing syndrome. Also called: Tumor predisposition; Hereditary Cancer Syndrome; Neoplastic Syndromes, Hereditary; Hereditary neoplastic syndrome. Identifiers: Orphanet 140162, MedGen C0027672, MeSH D009386, MONDO:0015356.
Tuberous sclerosis syndrome (TSC). Also called: Tuberous Sclerosis Complex; Tuberous sclerosis. Identifiers: Orphanet 805, MedGen C0041341, MONDO:0001734.
Tuberous sclerosis 1 (TSC1). Identifiers: Orphanet 805, MedGen C1854465, MONDO:0008612, OMIM 191100.

Submissions (3):

Labcorp Genetics (formerly Invitae), Labcorp
Classification: Uncertain significance for Tuberous sclerosis 1. Last evaluated: 2025-04-28. Review status: criteria provided, single submitter. Criteria: Invitae Variant Classification Sherloc (09022015). Collection method: clinical testing. Allele origin: germline.
Comment: This sequence change replaces glutamic acid, which is acidic and polar, with lysine, which is basic and polar, at codon 577 of the TSC1 protein (p.Glu577Lys). This variant is not present in population databases (gnomAD no frequency). This variant has not been reported in the literature in individuals affected with TSC1-related conditions. ClinVar contains an entry for this variant (Variation ID: 863958). Invitae Evidence Modeling of protein sequence and biophysical properties (such as structural, functional, and spatial information, amino acid conservation, physicochemical variation, residue mobility, and thermodynamic stability) indicates that this missense variant is not expected to disrupt TSC1 protein function with a negative predictive value of 95%. In summary, the available evidence is currently insufficient to determine the role of this variant in disease. Therefore, it has been classified as a Variant of Uncertain Significance.

Ambry Genetics
Classification: Uncertain significance for Hereditary cancer-predisposing syndrome. Last evaluated: 2024-12-17. Review status: criteria provided, single submitter. Criteria: Ambry Variant Classification Scheme 2023. Collection method: clinical testing. Allele origin: germline.
Comment: The p.E577K variant (also known as c.1729G>A), located in coding exon 13 of the TSC1 gene, results from a G to A substitution at nucleotide position 1729. The glutamic acid at codon 577 is replaced by lysine, an amino acid with similar properties. This amino acid position is well conserved in available vertebrate species. In addition, the in silico prediction for this alteration is inconclusive. Based on the available evidence, the clinical significance of this variant remains unclear.

All of Us Research Program, National Institutes of Health
Classification: Uncertain significance for Tuberous sclerosis syndrome. Last evaluated: 2023-12-18. Review status: criteria provided, single submitter. Criteria: ACMG Guidelines, 2015. Collection method: clinical testing. Allele origin: germline. Inheritance: Autosomal dominant inheritance. Observed: 1 variant allele, 1 heterozygote.
Comment: This missense variant replaces glutamic acid with lysine at codon 577 of the TSC1 protein. Computational prediction suggests that this variant may not impact protein structure and function (internally defined REVEL score threshold <= 0.5, PMID: 27666373). To our knowledge, functional studies have not been reported for this variant. This variant has not been reported in individuals affected with TSC1-related disorders in the literature. This variant has not been identified in the general population by the Genome Aggregation Database (gnomAD). The available evidence is insufficient to determine the role of this variant in disease conclusively. Therefore, this variant is classified as a Variant of Uncertain Significance.

This study involves interpretation of variants in research participants for the purpose of population health screening. Participant phenotype was not available at the time of variant classification. Additional details can be found in publication PMID: 35346344, PMCID: PMC8962531